The following is an entry in ClinVar:

ClinVar aggregate classification (germline): Pathogenic (1 of 4 stars; one submission).

Conditions:
Ataxia-telangiectasia syndrome (AT). Also called: LOUIS-BAR SYNDROME; Cerebello-oculocutaneous telangiectasia; Immunodeficiency with ataxia telangiectasia; AT, COMPLEMENTATION GROUP C; Ataxia-telangiectasia, complementation group D; ATAXIA-TELANGIECTASIA, COMPLEMENTATION GROUP A. Identifiers: Orphanet 100, MedGen C0004135, MONDO:0008840, OMIM 208900.

Submission:

Labcorp Genetics (formerly Invitae), Labcorp
Classification: Pathogenic for Ataxia-telangiectasia syndrome. Last evaluated: 2022-10-14. Review status: criteria provided, single submitter. Criteria: Invitae Variant Classification Sherloc (09022015). Collection method: clinical testing. Allele origin: unknown.
Comment: This variant has not been reported in the literature in individuals affected with ATM-related conditions. For these reasons, this variant has been classified as Pathogenic. This variant disrupts a region of the ATM protein in which other variant(s) (p.Leu1046Pro) have been determined to be pathogenic (PMID: 19535770, 27664052; Invitae). This suggests that this is a clinically significant region of the protein, and that variants that disrupt it are likely to be disease-causing. This variant results in the deletion of part of exon 20 and exons 21-22 (c.3053_3285-1084del) of the ATM gene. It is expected to disrupt RNA splicing. Variants that disrupt the donor or acceptor splice site typically lead to a loss of protein function (PMID: 16199547), and loss-of-function variants in ATM are known to be pathogenic (PMID: 23807571, 25614872).

Literature cited by the submitters: PubMed 19535770; PubMed 27664052; PubMed 16199547; PubMed 23807571; PubMed 25614872.

NC_000011.9:g.(?_108142107)_(108149132_?)del

Gene: ATM (ATM serine/threonine kinase; plus strand). Cytogenetic location: 11q22.3.
Variant type: Deletion.
Identifiers: ClinVar variation 3244509 (VCV003244509.1).